The following is an entry in ClinVar:

ClinVar aggregate classification (germline): Uncertain significance (1 of 4 stars; one submission).

Submission:

GeneDx
Classification: Uncertain significance. Last evaluated: 2025-03-15. Review status: criteria provided, single submitter. Criteria: GeneDx Variant Classification Process June 2021. Collection method: clinical testing. Allele origin: germline. Affected: yes.
Comment: Not observed at significant frequency in large population cohorts (gnomAD); In silico analysis supports that this missense variant has a deleterious effect on protein structure/function; Has not been previously published as pathogenic or benign to our knowledge

NM_170606.3(KMT2C):c.6935C>G (p.Ser2312Cys)

Gene: KMT2C (lysine methyltransferase 2C; minus strand). Cytogenetic location: 7q36.1.
Variant type: single nucleotide variant.
Coding change: c.6935C>G on transcript NM_170606.3 (MANE Select); coding-DNA position 6935, C replaced by G.
Protein change: p.Ser2312Cys; replaces serine 2312 with cysteine.
Molecular consequence: missense variant.
Genome position (GRCh38, 1-based): chr7:152,180,925, G>C on the plus strand (C>G on the coding strand, the complement: KMT2C is on the minus strand). VCF-style: chr7-152180925-G-C. GRCh37 (hg19) VCF-style: chr7-151878010-G-C.
Other names: short protein forms S2312C.
Identifiers: ClinVar variation 4083191 (VCV004083191.1).
Genomic context (GRCh38, chr7:152,180,925, plus strand): 5'-CCCTCTGATCCAGGCCTTGGCTGATCAGCAACATCATGGGCAGTTTGACTTGTTCCAAAA[G>C]AGTCAGACTGAGATCTTGGAGTCATTGGAGACTGATCATAGGGATCACGGGCAGCAGATG-3'
Protein context (NP_733751.2, residues 2302-2322): SPMTPRSQSD[Ser2312Cys]FGTSQTAHDV